The following is an entry in ClinVar:

ClinVar aggregate classification (germline): Uncertain significance (1 of 4 stars; one submission).

Conditions:
DOCK2 deficiency. Also called: Immunodeficiency 40. Identifiers: Orphanet 447737, MedGen C4225328, MONDO:0014637, OMIM 616433.

Allele frequency attached by ClinVar (database versions not stated): gnomAD exomes 0.00001; ExAC 0.00002.
gnomAD v4.1: 17 of 1,614,110 alleles (0.0011%); highest among the groups gnomAD compares: Non-Finnish European, 0.0014%; no homozygotes.

Submission:

Labcorp Genetics (formerly Invitae), Labcorp
Classification: Uncertain significance for DOCK2 deficiency. Last evaluated: 2022-03-22. Review status: criteria provided, single submitter. Criteria: Invitae Variant Classification Sherloc (09022015). Collection method: clinical testing. Allele origin: germline.
Comment: In summary, the available evidence is currently insufficient to determine the role of this variant in disease. Therefore, it has been classified as a Variant of Uncertain Significance. Algorithms developed to predict the effect of missense changes on protein structure and function are either unavailable or do not agree on the potential impact of this missense change (SIFT: "Tolerated"; PolyPhen-2: "Possibly Damaging"; Align-GVGD: "Class C0"). This variant has not been reported in the literature in individuals affected with DOCK2-related conditions. This variant is present in population databases (rs779522689, gnomAD 0.0009%). This sequence change replaces lysine, which is basic and polar, with glutamic acid, which is acidic and polar, at codon 268 of the DOCK2 protein (p.Lys268Glu).

NM_004946.3(DOCK2):c.802A>G (p.Lys268Glu)

Gene: DOCK2 (dedicator of cytokinesis 2; plus strand). Cytogenetic location: 5q35.1.
Variant type: single nucleotide variant.
Coding change: c.802A>G on transcript NM_004946.3 (MANE Select); coding-DNA position 802, A replaced by G.
Protein change: p.Lys268Glu; replaces lysine 268 with glutamic acid.
Molecular consequence: missense variant. On other transcripts: non-coding transcript variant (1).
Genome position (GRCh38, 1-based): chr5:169,689,292, A>G. VCF-style: chr5-169689292-A-G. GRCh37 (hg19) VCF-style: chr5-169116296-A-G.
Other names: short protein forms K268E.
Identifiers: ClinVar variation 1897469 (VCV001897469.5), dbSNP rs779522689, ClinGen allele CA3553261.
Genomic context (GRCh38, chr5:169,689,292, plus strand): 5'-TGCCACTCTTCTTCCCACAGTGAGAACTACCTAGTGCGATGGGGCAGCCGGGGCTTCCCT[A>G]AGGAGATTGAGATGCTCAACAATCTGAAGGTGGTCTTCACGGTGAGTGTGCACCCTCTTC-3'
Protein context (NP_004937.1, residues 258-278): LVRWGSRGFP[Lys268Glu]EIEMLNNLKV